The following is an entry in ClinVar:

ClinVar aggregate classification (germline): Uncertain significance (1 of 4 stars; one submission).

gnomAD v4.1: 99 of 1,613,990 alleles (0.0061%); highest among the groups gnomAD compares: South Asian, 0.057%; no homozygotes.

Submission:

Labcorp Genetics (formerly Invitae), Labcorp
Classification: Uncertain significance. Last evaluated: 2024-02-03. Review status: criteria provided, single submitter. Criteria: Invitae Variant Classification Sherloc (09022015). Collection method: clinical testing. Allele origin: germline.
Comment: This sequence change replaces arginine, which is basic and polar, with histidine, which is basic and polar, at codon 244 of the BICC1 protein (p.Arg244His). This variant is present in population databases (rs192860241, gnomAD 0.08%), and has an allele count higher than expected for a pathogenic variant. This variant has not been reported in the literature in individuals affected with BICC1-related conditions. An algorithm developed to predict the effect of missense changes on protein structure and function (PolyPhen-2) suggests that this variant is likely to be disruptive. In summary, the available evidence is currently insufficient to determine the role of this variant in disease. Therefore, it has been classified as a Variant of Uncertain Significance.

NM_001080512.3(BICC1):c.731G>A (p.Arg244His)

Gene: BICC1 (BicC family RNA binding protein 1; plus strand). Cytogenetic location: 10q21.1.
Variant type: single nucleotide variant.
Coding change: c.731G>A on transcript NM_001080512.3 (MANE Select); coding-DNA position 731, G replaced by A.
Protein change: p.Arg244His; replaces arginine 244 with histidine.
Molecular consequence: missense variant.
Genome position (GRCh38, 1-based): chr10:58,789,392, G>A. VCF-style: chr10-58789392-G-A. GRCh37 (hg19) VCF-style: chr10-60549152-G-A.
Other names: short protein forms R244H.
Identifiers: ClinVar variation 3708102 (VCV003708102.2).